The following is an entry in ClinVar:

ClinVar aggregate classification (germline): Pathogenic (1 of 4 stars; one submission).

Submission:

Labcorp Genetics (formerly Invitae), Labcorp
Classification: Pathogenic. Last evaluated: 2022-02-04. Review status: criteria provided, single submitter. Criteria: Invitae Variant Classification Sherloc (09022015). Collection method: clinical testing. Allele origin: germline.
Comment: For these reasons, this variant has been classified as Pathogenic. This variant has not been reported in the literature in individuals affected with PRPF31-related conditions. This variant is not present in population databases (gnomAD no frequency). This sequence change creates a premature translational stop signal (p.Val139Serfs*59) in the PRPF31 gene. It is expected to result in an absent or disrupted protein product. Loss-of-function variants in PRPF31 are known to be pathogenic (PMID: 18317597, 23950152).

Literature cited by the submitters: PubMed 18317597; PubMed 23950152.

NM_015629.4(PRPF31):c.415del (p.Val139fs)

Genes: PRPF31 (pre-mRNA processing factor 31; plus strand), PRPF31-AS1 (PRPF31 antisense RNA 1; minus strand). Cytogenetic location: 19q13.42.
Variant type: Deletion.
Coding change: c.415del on transcript NM_015629.4 (MANE Select); coding-DNA position 415, one base deleted (G; older notation c.415delG).
Protein change: p.Val139fs; shifts the reading frame from valine 139.
Molecular consequence: frameshift variant.
Genome position (GRCh38, 1-based): chr19:54,122,589, G deleted; the last of 2 consecutive G bases (chr19:54,122,588-54,122,589); deleting either gives the same sequence. VCF-style (leftmost placement, unchanged base first): chr19-54122587-CG-C. GRCh37 (hg19) VCF-style: chr19-54625966-CG-C.
Other names: short protein forms V139fs.
Identifiers: ClinVar variation 1423706 (VCV001423706.6), dbSNP rs2146413624, ClinGen allele CA2573156801.